The following is an entry in ClinVar:

NM_016734.3(PAX5):c.320C>G (p.Pro107Arg)

Gene: PAX5 (paired box 5; minus strand). Cytogenetic location: 9p13.2.
Variant type: single nucleotide variant.
Coding change: c.320C>G on transcript NM_016734.3 (MANE Select); coding-DNA position 320, C replaced by G.
Protein change: p.Pro107Arg; replaces proline 107 with arginine.
Molecular consequence: missense variant. On other transcripts: 5 prime UTR variant (2), non-coding transcript variant (2), intron variant (1).
Genome position (GRCh38, 1-based): chr9:37,015,087, G>C on the plus strand (C>G on the coding strand, the complement: PAX5 is on the minus strand). VCF-style: chr9-37015087-G-C. GRCh37 (hg19) VCF-style: chr9-37015084-G-C.
Other names: c.320C>G, p.Pro107Arg (NM_001280554.2, NM_001280547.2, NM_001280548.2 and 4 more transcripts); c.-5C>G (NM_001280556.2, NM_001280551.2); c.212+5549C>G (NM_001280555.2); short protein forms P107R.
Identifiers: ClinVar variation 4861607 (VCV004861607.1).

ClinVar aggregate classification (germline): Uncertain significance (1 of 4 stars; one submission).

Conditions:
Inborn genetic diseases. Identifiers: MedGen C0950123, MeSH D030342.

Submission:

Ambry Genetics
Classification: Uncertain significance for Inborn genetic diseases. Last evaluated: 2026-04-18. Review status: criteria provided, single submitter. Criteria: Ambry Variant Classification Scheme 2023. Collection method: clinical testing. Allele origin: germline.
Comment: The p.P107R variant (also known as c.320C>G), located in coding exon 3 of the PAX5 gene, results from a C to G substitution at nucleotide position 320. The proline at codon 107 is replaced by arginine, an amino acid with dissimilar properties. This amino acid position is conserved. In addition, this alteration is predicted to be deleterious by in silico analysis. Based on the available evidence, the clinical significance of this variant remains unclear.